The following is an entry in ClinVar:

ClinVar aggregate classification (germline): Uncertain significance (1 of 4 stars; one submission).

Conditions:
Hypertrophic cardiomyopathy 1 (CMH1). Also called: Familial hypertrophic cardiomyopathy 1; MYH7-Related Familial Hypertrophic Cardiomyopathy. Identifiers: MedGen C3495498, MONDO:0008647, OMIM 192600.

Allele frequency attached by ClinVar (database versions not stated): gnomAD exomes below 0.00001.
gnomAD v4.1: 1 of 1,613,594 alleles (0.000062%); highest among the groups gnomAD compares: South Asian, 0.0011%; no homozygotes.

Submission:

Labcorp Genetics (formerly Invitae), Labcorp
Classification: Uncertain significance for Hypertrophic cardiomyopathy 1. Last evaluated: 2022-06-11. Review status: criteria provided, single submitter. Criteria: Invitae Variant Classification Sherloc (09022015). Collection method: clinical testing. Allele origin: germline.
Comment: In summary, the available evidence is currently insufficient to determine the role of this variant in disease. Therefore, it has been classified as a Variant of Uncertain Significance. Algorithms developed to predict the effect of missense changes on protein structure and function output the following: SIFT: "Tolerated"; PolyPhen-2: "Benign"; Align-GVGD: "Class C0". The aspartic acid amino acid residue is found in multiple mammalian species, which suggests that this missense change does not adversely affect protein function. This variant has not been reported in the literature in individuals affected with MYLK2-related conditions. This variant is not present in population databases (gnomAD no frequency). This sequence change replaces glycine, which is neutral and non-polar, with aspartic acid, which is acidic and polar, at codon 75 of the MYLK2 protein (p.Gly75Asp).

NM_033118.4(MYLK2):c.224G>A (p.Gly75Asp)

Gene: MYLK2 (myosin light chain kinase 2; plus strand). Cytogenetic location: 20q11.21.
Variant type: single nucleotide variant.
Coding change: c.224G>A on transcript NM_033118.4 (MANE Select); coding-DNA position 224, G replaced by A.
Protein change: p.Gly75Asp; replaces glycine 75 with aspartic acid.
Molecular consequence: missense variant.
Genome position (GRCh38, 1-based): chr20:31,820,297, G>A. VCF-style: chr20-31820297-G-A. GRCh37 (hg19) VCF-style: chr20-30408100-G-A.
Other names: short protein forms G75D.
Identifiers: ClinVar variation 2004719 (VCV002004719.4), dbSNP rs1600407058, ClinGen allele CA408525171.